The following is an entry in ClinVar:

NM_015272.5(RPGRIP1L):c.2042A>G (p.Glu681Gly)

Gene: RPGRIP1L (RPGRIP1 like; minus strand). Cytogenetic location: 16q12.2.
Variant type: single nucleotide variant.
Coding change: c.2042A>G on transcript NM_015272.5 (MANE Select); coding-DNA position 2042, A replaced by G.
Protein change: p.Glu681Gly; replaces glutamic acid 681 with glycine.
Molecular consequence: missense variant.
Genome position (GRCh38, 1-based): chr16:53,652,645, T>C on the plus strand (A>G on the coding strand, the complement: RPGRIP1L is on the minus strand). VCF-style: chr16-53652645-T-C. GRCh37 (hg19) VCF-style: chr16-53686557-T-C.
Other names: c.2042A>G, p.Glu681Gly (NM_001127897.4, NM_001308334.3, NM_001330538.2); short protein forms E681G.
Identifiers: ClinVar variation 1965390 (VCV001965390.5), dbSNP rs2544204943, ClinGen allele CA395916777.

ClinVar aggregate classification (germline): Uncertain significance (1 of 4 stars; one submission).

Conditions:
Joubert syndrome. Also called: CEREBELLOPARENCHYMAL DISORDER IV; JOUBERT-BOLTSHAUSER SYNDROME; Familial aplasia of the vermis. Identifiers: Orphanet 475, MedGen C5979921, MONDO:0018772.
Meckel-Gruber syndrome. Also called: DYSENCEPHALIA SPLANCHNOCYSTICA; GRUBER SYNDROME; Dysencephalia splachnocystica. Identifiers: Orphanet 564, MedGen C0265215, MONDO:0018921.

Submission:

Labcorp Genetics (formerly Invitae), Labcorp
Classification: Uncertain significance for Joubert syndrome; Meckel-Gruber syndrome. Last evaluated: 2023-06-13. Review status: criteria provided, single submitter. Criteria: Invitae Variant Classification Sherloc (09022015). Collection method: clinical testing. Allele origin: germline.
Comment: This variant is not present in population databases (gnomAD no frequency). In summary, the available evidence is currently insufficient to determine the role of this variant in disease. Therefore, it has been classified as a Variant of Uncertain Significance. Advanced modeling of protein sequence and biophysical properties (such as structural, functional, and spatial information, amino acid conservation, physicochemical variation, residue mobility, and thermodynamic stability) performed at Invitae indicates that this missense variant is expected to disrupt RPGRIP1L protein function. ClinVar contains an entry for this variant (Variation ID: 1965390). This variant has not been reported in the literature in individuals affected with RPGRIP1L-related conditions. This sequence change replaces glutamic acid, which is acidic and polar, with glycine, which is neutral and non-polar, at codon 681 of the RPGRIP1L protein (p.Glu681Gly).